The following is an entry in ClinVar:

ClinVar aggregate classification (germline): Uncertain significance. Review status: criteria provided, multiple submitters, no conflicts (2 of 4 stars). 3 submissions from 3 submitters: Uncertain significance (3). Last evaluated 2024-06-01.

Allele frequency attached by ClinVar (database versions not stated): gnomAD exomes 0.00008; ExAC 0.00015; ESP Exome Variant Server 0.00023; gnomAD 0.00038 and 0.00042; TOPMed 0.00042; 1000 Genomes Project 0.00060; 1000 Genomes Project 30x 0.00062.
gnomAD v4.1: 119 of 1,603,710 alleles (0.0074%); highest among the groups gnomAD compares: African/African-American, 0.13%; 1 homozygote.

Submissions (3):

GeneDx
Classification: Uncertain significance. Last evaluated: 2024-06-01. Review status: criteria provided, single submitter. Criteria: GeneDx Variant Classification Process June 2021. Collection method: clinical testing. Allele origin: germline. Affected: yes.
Comment: In silico analysis supports that this missense variant has a deleterious effect on protein structure/function; Has not been previously published as pathogenic or benign to our knowledge

Labcorp Genetics (formerly Invitae), Labcorp
Classification: Uncertain significance. Last evaluated: 2022-05-06. Review status: criteria provided, single submitter. Criteria: Invitae Variant Classification Sherloc (09022015). Collection method: clinical testing. Allele origin: germline.
Comment: This sequence change replaces arginine, which is basic and polar, with histidine, which is basic and polar, at codon 535 of the CDT1 protein (p.Arg535His). This variant is present in population databases (rs75595603, gnomAD 0.1%). This variant has not been reported in the literature in individuals affected with CDT1-related conditions. Algorithms developed to predict the effect of missense changes on protein structure and function are either unavailable or do not agree on the potential impact of this missense change (SIFT: "Deleterious"; PolyPhen-2: "Possibly Damaging"; Align-GVGD: "Class C0"). In summary, the available evidence is currently insufficient to determine the role of this variant in disease. Therefore, it has been classified as a Variant of Uncertain Significance.

Breakthrough Genomics
Classification: Uncertain significance. Review status: criteria provided, single submitter. Criteria: ACMG Guidelines, 2015. Collection method: not provided. Allele origin: germline. Inheritance: Autosomal recessive inheritance. Affected: yes.

NM_030928.4(CDT1):c.1604G>A (p.Arg535His)

Gene: CDT1 (chromatin licensing and DNA replication factor 1; plus strand). Cytogenetic location: 16q24.3.
Variant type: single nucleotide variant.
Coding change: c.1604G>A on transcript NM_030928.4 (MANE Select); coding-DNA position 1604, G replaced by A.
Protein change: p.Arg535His; replaces arginine 535 with histidine.
Molecular consequence: missense variant.
Genome position (GRCh38, 1-based): chr16:88,808,241, G>A. VCF-style: chr16-88808241-G-A. GRCh37 (hg19) VCF-style: chr16-88874649-G-A.
Other names: c.1604G>A (NM_030928.3); short protein forms R535H.
Identifiers: ClinVar variation 1434560 (VCV001434560.7), dbSNP rs75595603, ClinGen allele CA8234260.
Genomic context (GRCh38, chr16:88,808,241, plus strand): 5'-TCCGCACCGACACCTACGTCAAGCTGGACAAGGCCGCGGACCTCGCCCACATCACTGCAC[G>A]CCTGGCCCACCAGACACGTGCTGAGGAGGGGCTGTGAGCCTGGGGGCCACTGTGGACAGA-3'
Protein context (NP_112190.2, residues 525-545): KAADLAHITA[Arg535His]LAHQTRAEEG